The following is an entry in ClinVar:

ClinVar aggregate classification (germline): Uncertain significance. Review status: criteria provided, multiple submitters, no conflicts (2 of 4 stars). 2 submissions from 2 submitters: Uncertain significance (2). Last evaluated 2023-12-18.

Allele frequency attached by ClinVar (database versions not stated): gnomAD exomes 0.00001.
gnomAD v4.1: 9 of 1,501,246 alleles (0.0006%); highest among the groups gnomAD compares: Non-Finnish European, 0.00071%; no homozygotes.

Submissions (2):

Ambry Genetics
Classification: Uncertain significance. Last evaluated: 2023-12-18. Review status: criteria provided, single submitter. Criteria: Ambry Variant Classification Scheme 2023. Collection method: clinical testing. Allele origin: germline.

Labcorp Genetics (formerly Invitae), Labcorp
Classification: Uncertain significance. Last evaluated: 2022-10-04. Review status: criteria provided, single submitter. Criteria: Invitae Variant Classification Sherloc (09022015). Collection method: clinical testing. Allele origin: germline.
Comment: This sequence change replaces alanine, which is neutral and non-polar, with serine, which is neutral and polar, at codon 497 of the FSCN2 protein (p.Ala497Ser). In summary, the available evidence is currently insufficient to determine the role of this variant in disease. Therefore, it has been classified as a Variant of Uncertain Significance. Algorithms developed to predict the effect of missense changes on protein structure and function (SIFT, PolyPhen-2, Align-GVGD) all suggest that this variant is likely to be tolerated. ClinVar contains an entry for this variant (Variation ID: 1387652). This variant has not been reported in the literature in individuals affected with FSCN2-related conditions. The frequency data for this variant in the population databases is considered unreliable, as metrics indicate poor data quality at this position in the gnomAD database.

NM_012418.4(FSCN2):c.1417G>T (p.Ala473Ser)

Gene: FSCN2 (fascin actin-bundling protein 2, retinal; plus strand). Cytogenetic location: 17q25.3.
Variant type: single nucleotide variant.
Coding change: c.1417G>T on transcript NM_012418.4 (MANE Select); coding-DNA position 1417, G replaced by T.
Protein change: p.Ala473Ser; replaces alanine 473 with serine.
Molecular consequence: missense variant.
Genome position (GRCh38, 1-based): chr17:81,537,018, G>T. VCF-style: chr17-81537018-G-T. GRCh37 (hg19) VCF-style: chr17-79504044-G-T.
Other names: c.1489G>T (NM_001077182.2); c.1489G>T, p.Ala497Ser (NM_001077182.3); short protein forms A497S, A473S.
Identifiers: ClinVar variation 1387652 (VCV001387652.7), dbSNP rs1405782570, ClinGen allele CA401478942.